The following is an entry in ClinVar:

ClinVar aggregate classification (germline): Benign (1 of 4 stars; one submission).

Allele frequency attached by ClinVar (database versions not stated): 1000 Genomes Project 0.18191; 1000 Genomes Project 30x 0.18567; gnomAD 0.25961 and 0.26752; TOPMed 0.26515.
gnomAD v4.1: 39,334 of 152,088 alleles (26%); highest among the groups gnomAD compares: African/African-American, 31%; 5,497 homozygotes.

Submission:

GeneDx
Classification: Benign. Last evaluated: 2020-11-02. Review status: criteria provided, single submitter. Criteria: GeneDx Variant Classification Process June 2021. Collection method: clinical testing. Allele origin: germline. Affected: yes.
Comment: This variant is associated with the following publications: (PMID: 30559760)

NM_016203.4(PRKAG2):c.467-35078C>T

Gene: PRKAG2 (protein kinase AMP-activated non-catalytic subunit gamma 2; minus strand). Cytogenetic location: 7q36.1.
Variant type: single nucleotide variant.
Coding change: c.467-35078C>T on transcript NM_016203.4 (MANE Select); 35078 bases into the intron before coding-DNA position 467, C replaced by T.
Molecular consequence: intron variant.
Genome position (GRCh38, 1-based): chr7:151,710,715, G>A on the plus strand (C>T on the coding strand, the complement: PRKAG2 is on the minus strand). VCF-style: chr7-151710715-G-A. GRCh37 (hg19) VCF-style: chr7-151407801-G-A.
Other names: c.335-35078C>T (NM_001040633.2); c.94+25185C>T (NM_001304527.2, NM_001363698.2).
Identifiers: ClinVar variation 1227412 (VCV001227412.3), dbSNP rs7805747, ClinGen allele CA12676756.